The following is an entry in ClinVar:

NM_004364.5(CEBPA):c.680C>T (p.Pro227Leu)

Gene: CEBPA (CCAAT enhancer binding protein alpha; minus strand). Cytogenetic location: 19q13.11.
Variant type: single nucleotide variant.
Coding change: c.680C>T on transcript NM_004364.5 (MANE Select); coding-DNA position 680, C replaced by T.
Protein change: p.Pro227Leu; replaces proline 227 with leucine.
Molecular consequence: missense variant.
Genome position (GRCh38, 1-based): chr19:33,301,735, G>A on the plus strand (C>T on the coding strand, the complement: CEBPA is on the minus strand). VCF-style: chr19-33301735-G-A. GRCh37 (hg19) VCF-style: chr19-33792641-G-A.
Other names: c.323C>T, p.Pro108Leu (NM_001285829.2); c.785C>T, p.Pro262Leu (NM_001287424.2); c.638C>T, p.Pro213Leu (NM_001287435.2); short protein forms P108L, P213L, P227L, P262L.
Identifiers: ClinVar variation 1717449 (VCV001717449.7), dbSNP rs2513329685, ClinGen allele CA405274428.

ClinVar aggregate classification (germline): Uncertain significance. Review status: criteria provided, multiple submitters, no conflicts (2 of 4 stars). 2 submissions from 2 submitters: Uncertain significance (2). Last evaluated 2026-08-10.

Conditions:
Inborn genetic diseases. Identifiers: MedGen C0950123, MeSH D030342.
Acute myeloid leukemia (AML). Also called: Leukemia, acute myeloid, somatic; Leukemia, acute myelogenous, somatic; Acute myeloid leukemia, adult; AML adult; Acute non-lymphocytic leukemia; Acute granulocytic leukemia. Identifiers: Orphanet 519, MedGen C0023467, MeSH D015470, MONDO:0018874, OMIM 601626, HP:0004808. Disease mechanism: Constitutively activated FLT3.

Submissions (2):

Ambry Genetics
Classification: Uncertain significance for Inborn genetic diseases. Last evaluated: 2026-08-10. Review status: criteria provided, single submitter. Criteria: Ambry Variant Classification Scheme 2023. Collection method: clinical testing. Allele origin: germline.
Comment: The p.P227L variant (also known as c.680C>T), located in coding exon 1 of the CEBPA gene, results from a C to T substitution at nucleotide position 680. The proline at codon 227 is replaced by leucine, an amino acid with similar properties. This amino acid position is conserved. In addition, this alteration is predicted to be tolerated by in silico analysis. Based on the available evidence, the clinical significance of this variant remains unclear.

Labcorp Genetics (formerly Invitae), Labcorp
Classification: Uncertain significance for Acute myeloid leukemia. Last evaluated: 2022-08-22. Review status: criteria provided, single submitter. Criteria: Invitae Variant Classification Sherloc (09022015). Collection method: clinical testing. Allele origin: germline.
Comment: In summary, the available evidence is currently insufficient to determine the role of this variant in disease. Therefore, it has been classified as a Variant of Uncertain Significance. Algorithms developed to predict the effect of missense changes on protein structure and function are either unavailable or do not agree on the potential impact of this missense change (SIFT: "Deleterious"; PolyPhen-2: "Probably Damaging"; Align-GVGD: "Class C0"). This variant has not been reported in the literature in individuals affected with CEBPA-related conditions. This variant is not present in population databases (gnomAD no frequency). This sequence change replaces proline, which is neutral and non-polar, with leucine, which is neutral and non-polar, at codon 227 of the CEBPA protein (p.Pro227Leu).